The following is an entry in ClinVar:

NC_000017.10:g.(?_29585352)_(29592367_?)del

Gene: NF1 (neurofibromin 1; plus strand). Cytogenetic location: 17q11.2.
Variant type: Deletion.
Identifiers: ClinVar variation 2422748 (VCV002422748.3).

ClinVar aggregate classification (germline): Pathogenic (1 of 4 stars; one submission).

Conditions:
Neurofibromatosis, type 1 (NF1). Also called: Peripheral type neurofibromatosis; VON RECKLINGHAUSEN DISEASE; NEUROFIBROMATOSIS, TYPE I, SOMATIC; Neurofibromatosis, type I. Identifiers: Orphanet 636, MedGen C0027831, MONDO:0018975, OMIM 162200. Disease mechanism: loss of function.

Submission:

Labcorp Genetics (formerly Invitae), Labcorp
Classification: Pathogenic for Neurofibromatosis, type 1. Last evaluated: 2022-10-08. Review status: criteria provided, single submitter. Criteria: Invitae Variant Classification Sherloc (09022015). Collection method: clinical testing. Allele origin: germline.
Comment: This variant is a gross deletion of the genomic region encompassing exon(s) 31-35 of the NF1 gene. This deletion is out-of-frame, and is expected to create a premature termination codon and result in an absent or disrupted protein product. Loss-of-function variants in NF1 are known to be pathogenic (PMID: 10712197, 23913538). This variant has not been reported in the literature in individuals affected with NF1-related conditions. For these reasons, this variant has been classified as Pathogenic.

Literature cited by the submitters: PubMed 10712197; PubMed 23913538.